The following is an entry in ClinVar:

ClinVar aggregate classification (germline): Uncertain significance (1 of 4 stars; one submission).

Conditions:
Immunodeficiency due to CD25 deficiency. Also called: IL2RA DEFICIENCY; IMMUNODEFICIENCY 41 WITH LYMPHOPROLIFERATION AND AUTOIMMUNITY; CD25 DEFICIENCY. Identifiers: Orphanet 169100, MedGen C1853392, MONDO:0011664, OMIM 606367.

Allele frequency attached by ClinVar (database versions not stated): gnomAD 0.00001; gnomAD exomes below 0.00001; TOPMed below 0.00001.
gnomAD v4.1: 5 of 1,614,106 alleles (0.00031%); highest among the groups gnomAD compares: Non-Finnish European, 0.00042%; no homozygotes.

Submission:

Labcorp Genetics (formerly Invitae), Labcorp
Classification: Uncertain significance for Immunodeficiency due to CD25 deficiency. Last evaluated: 2023-12-21. Review status: criteria provided, single submitter. Criteria: Invitae Variant Classification Sherloc (09022015). Collection method: clinical testing. Allele origin: germline.
Comment: This sequence change replaces arginine, which is basic and polar, with serine, which is neutral and polar, at codon 57 of the IL2RA protein (p.Arg57Ser). This variant is not present in population databases (gnomAD no frequency). This variant has not been reported in the literature in individuals affected with IL2RA-related conditions. ClinVar contains an entry for this variant (Variation ID: 1372902). Advanced modeling of protein sequence and biophysical properties (such as structural, functional, and spatial information, amino acid conservation, physicochemical variation, residue mobility, and thermodynamic stability) has been performed at Invitae for this missense variant, however the output from this modeling did not meet the statistical confidence thresholds required to predict the impact of this variant on IL2RA protein function. In summary, the available evidence is currently insufficient to determine the role of this variant in disease. Therefore, it has been classified as a Variant of Uncertain Significance.

NM_000417.3(IL2RA):c.171A>T (p.Arg57Ser)

Gene: IL2RA (interleukin 2 receptor subunit alpha; minus strand). Cytogenetic location: 10p15.1.
Variant type: single nucleotide variant.
Coding change: c.171A>T on transcript NM_000417.3 (MANE Select); coding-DNA position 171, A replaced by T.
Protein change: p.Arg57Ser; replaces arginine 57 with serine.
Molecular consequence: missense variant.
Genome position (GRCh38, 1-based): chr10:6,025,919, T>A on the plus strand (A>T on the coding strand, the complement: IL2RA is on the minus strand). VCF-style: chr10-6025919-T-A. GRCh37 (hg19) VCF-style: chr10-6067882-T-A.
Other names: c.171A>T, p.Arg57Ser (NM_001308242.2, NM_001308243.2); short protein forms R57S.
Identifiers: ClinVar variation 1372902 (VCV001372902.8), dbSNP rs1175936796, ClinGen allele CA375930497.